The following is an entry in ClinVar:

NM_001040716.2(PC):c.2870G>A (p.Gly957Glu)

Gene: PC (pyruvate carboxylase; minus strand). Cytogenetic location: 11q13.2.
Variant type: single nucleotide variant.
Coding change: c.2870G>A on transcript NM_001040716.2 (MANE Select); coding-DNA position 2870, G replaced by A.
Protein change: p.Gly957Glu; replaces glycine 957 with glutamic acid.
Molecular consequence: missense variant.
Genome position (GRCh38, 1-based): chr11:66,849,965, C>T on the plus strand (G>A on the coding strand, the complement: PC is on the minus strand). VCF-style: chr11-66849965-C-T. GRCh37 (hg19) VCF-style: chr11-66617436-C-T.
Other names: c.2870G>A, p.Gly957Glu (NM_000920.4, NM_022172.3); short protein forms G957E.
Identifiers: ClinVar variation 3363513 (VCV003363513.2).

ClinVar aggregate classification (germline): Uncertain significance. Review status: criteria provided, multiple submitters, no conflicts (2 of 4 stars). 2 submissions from 2 submitters: Uncertain significance (2). Last evaluated 2024-12-28.

Conditions:
Inborn genetic diseases. Identifiers: MedGen C0950123, MeSH D030342.

gnomAD v4.1: 7 of 1,613,556 alleles (0.00043%); highest among the groups gnomAD compares: African/African-American, 0.0053%; no homozygotes.

Submissions (2):

Ambry Genetics
Classification: Uncertain significance for Inborn genetic diseases. Last evaluated: 2024-12-28. Review status: criteria provided, single submitter. Criteria: Ambry Variant Classification Scheme 2023. Collection method: clinical testing. Allele origin: germline.

GeneDx
Classification: Uncertain significance. Last evaluated: 2023-10-26. Review status: criteria provided, single submitter. Criteria: GeneDx Variant Classification Process June 2021. Collection method: clinical testing. Allele origin: germline. Affected: yes.
Comment: Not observed at significant frequency in large population cohorts (gnomAD); In silico analysis supports that this missense variant has a deleterious effect on protein structure/function; Has not been previously published as pathogenic or benign to our knowledge